The following is an entry in ClinVar:

NM_022168.4(IFIH1):c.1797T>C (p.Val599=)

Gene: IFIH1 (interferon induced with helicase C domain 1; minus strand). Cytogenetic location: 2q24.2.
Variant type: single nucleotide variant.
Coding change: c.1797T>C on transcript NM_022168.4 (MANE Select); coding-DNA position 1797, T replaced by C.
Protein change: p.Val599=; no amino-acid change (valine 599 retained).
Molecular consequence: synonymous variant.
Genome position (GRCh38, 1-based): chr2:162,277,662, A>G on the plus strand (T>C on the coding strand, the complement: IFIH1 is on the minus strand). VCF-style: chr2-162277662-A-G. GRCh37 (hg19) VCF-style: chr2-163134172-A-G.
Identifiers: ClinVar variation 1571728 (VCV001571728.12), dbSNP rs751095720, ClinGen allele CA1934384.

ClinVar aggregate classification (germline): Likely benign. Review status: criteria provided, multiple submitters, no conflicts (2 of 4 stars). 2 submissions from 2 submitters: Likely benign (2). Last evaluated 2026-03-01.

Conditions:
Singleton-Merten syndrome 1 (SGMRT1). Also called: Widened medullary cavities of bone, aortic calcification, abnormal dentition, and muscular weakness; Syndrome of widened medullary cavities of the metacarpals and phalanges, aortic calcification and abnormal dentition. Identifiers: Orphanet 85191, MedGen C4225427, MONDO:0024535, OMIM 182250.
Aicardi-Goutieres syndrome 7 (AGS7). Identifiers: Orphanet 51, MedGen C3888244, MONDO:0014367, OMIM 615846.

Allele frequency attached by ClinVar (database versions not stated): ExAC 0.00001; gnomAD exomes 0.00004; gnomAD 0.00012 and 0.00013; TOPMed 0.00013.

Submissions (2):

CeGaT Center for Human Genetics Tuebingen
Classification: Likely benign. Last evaluated: 2026-03-01. Review status: criteria provided, single submitter. Criteria: CeGaT Center For Human Genetics Tuebingen Variant Classification Criteria Version 2. Collection method: clinical testing. Allele origin: germline. Affected: yes. Observed: 1 variant allele.
Comment: IFIH1: BP4, BP7

Labcorp Genetics (formerly Invitae), Labcorp
Classification: Likely benign for Aicardi-Goutieres syndrome 7; Singleton-Merten syndrome 1. Last evaluated: 2025-12-13. Review status: criteria provided, single submitter. Criteria: Invitae Variant Classification Sherloc (09022015). Collection method: clinical testing. Allele origin: germline.